The following is an entry in ClinVar:

NM_001182.5(ALDH7A1):c.608G>A (p.Trp203Ter)

Gene: ALDH7A1 (aldehyde dehydrogenase 7 family member A1; minus strand). Cytogenetic location: 5q23.2.
Variant type: single nucleotide variant.
Coding change: c.608G>A on transcript NM_001182.5 (MANE Select); coding-DNA position 608, G replaced by A.
Protein change: p.Trp203Ter; replaces tryptophan 203 with a stop codon.
Molecular consequence: nonsense.
Genome position (GRCh38, 1-based): chr5:126,577,121, C>T on the plus strand (G>A on the coding strand, the complement: ALDH7A1 is on the minus strand). VCF-style: chr5-126577121-C-T. GRCh37 (hg19) VCF-style: chr5-125912813-C-T.
Other names: c.524G>A, p.Trp175Ter (NM_001201377.2); c.608G>A, p.Trp203Ter (NM_001202404.2); short protein forms W175*, W203*.
Identifiers: ClinVar variation 2768850 (VCV002768850.3), dbSNP rs2480322678, ClinGen allele CA360731069.

ClinVar aggregate classification (germline): Pathogenic (1 of 4 stars; one submission).

Conditions:
Pyridoxine-dependent epilepsy (EPEO4). Also called: Pyridoxine-Dependent Seizures; PYRIDOXINE DEPENDENCY WITH SEIZURES; EPILEPSY, EARLY-ONSET, 4, VITAMIN B6-DEPENDENT; Pyridoxine-Dependent Epilepsy - ALDH7A1. Identifiers: Orphanet 3006, MedGen C1849508, MONDO:0009945, OMIM 266100. Disease mechanism: loss of function.

Submission:

Labcorp Genetics (formerly Invitae), Labcorp
Classification: Pathogenic for Pyridoxine-dependent epilepsy. Last evaluated: 2023-10-15. Review status: criteria provided, single submitter. Criteria: Invitae Variant Classification Sherloc (09022015). Collection method: clinical testing. Allele origin: germline.
Comment: This sequence change creates a premature translational stop signal (p.Trp203*) in the ALDH7A1 gene. It is expected to result in an absent or disrupted protein product. Loss-of-function variants in ALDH7A1 are known to be pathogenic (PMID: 16491085, 20554659). This variant is not present in population databases (gnomAD no frequency). This variant has not been reported in the literature in individuals affected with ALDH7A1-related conditions. For these reasons, this variant has been classified as Pathogenic.

Literature cited by the submitters: PubMed 16491085; PubMed 20554659.